The following is an entry in ClinVar:

ClinVar aggregate classification (germline): Uncertain significance (1 of 4 stars; one submission).

Submission:

Labcorp Genetics (formerly Invitae), Labcorp
Classification: Uncertain significance. Last evaluated: 2022-08-05. Review status: criteria provided, single submitter. Criteria: Invitae Variant Classification Sherloc (09022015). Collection method: clinical testing. Allele origin: germline.
Comment: Advanced modeling of protein sequence and biophysical properties (such as structural, functional, and spatial information, amino acid conservation, physicochemical variation, residue mobility, and thermodynamic stability) performed at Invitae indicates that this missense variant is not expected to disrupt MYO7A protein function. In summary, the available evidence is currently insufficient to determine the role of this variant in disease. Therefore, it has been classified as a Variant of Uncertain Significance. This sequence change replaces isoleucine, which is neutral and non-polar, with valine, which is neutral and non-polar, at codon 127 of the MYO7A protein (p.Ile127Val). This variant is not present in population databases (gnomAD no frequency). This variant has not been reported in the literature in individuals affected with MYO7A-related conditions.

NM_000260.4(MYO7A):c.379A>G (p.Ile127Val)

Gene: MYO7A (myosin VIIA; plus strand). Cytogenetic location: 11q13.5.
Variant type: single nucleotide variant.
Coding change: c.379A>G on transcript NM_000260.4 (MANE Select); coding-DNA position 379, A replaced by G.
Protein change: p.Ile127Val; replaces isoleucine 127 with valine.
Molecular consequence: missense variant.
Genome position (GRCh38, 1-based): chr11:77,156,000, A>G. VCF-style: chr11-77156000-A-G. GRCh37 (hg19) VCF-style: chr11-76867046-A-G.
Other names: c.379A>G, p.Ile127Val (NM_001127180.2); c.346A>G, p.Ile116Val (NM_001369365.1); short protein forms I116V, I127V.
Identifiers: ClinVar variation 1715116 (VCV001715116.5), dbSNP rs2496729928, ClinGen allele CA381931416.